The following is an entry in ClinVar:

ClinVar aggregate classification (germline): Uncertain significance (1 of 4 stars; one submission).

Allele frequency attached by ClinVar (database versions not stated): gnomAD exomes below 0.00001.
gnomAD v4.1: 2 of 1,603,296 alleles (0.00012%); highest among the groups gnomAD compares: Admixed American, 0.0017%; no homozygotes.

Submission:

Labcorp Genetics (formerly Invitae), Labcorp
Classification: Uncertain significance. Last evaluated: 2023-06-13. Review status: criteria provided, single submitter. Criteria: Invitae Variant Classification Sherloc (09022015). Collection method: clinical testing. Allele origin: germline.
Comment: In summary, the available evidence is currently insufficient to determine the role of this variant in disease. Therefore, it has been classified as a Variant of Uncertain Significance. Advanced modeling of protein sequence and biophysical properties (such as structural, functional, and spatial information, amino acid conservation, physicochemical variation, residue mobility, and thermodynamic stability) performed at Invitae indicates that this missense variant is not expected to disrupt IDH3A protein function. ClinVar contains an entry for this variant (Variation ID: 2060387). This variant has not been reported in the literature in individuals affected with IDH3A-related conditions. This variant is not present in population databases (gnomAD no frequency). This sequence change replaces alanine, which is neutral and non-polar, with valine, which is neutral and non-polar, at codon 349 of the IDH3A protein (p.Ala349Val).

NM_005530.3(IDH3A):c.1046C>T (p.Ala349Val)

Genes: ACSBG1 (acyl-CoA synthetase bubblegum family member 1; minus strand), IDH3A (isocitrate dehydrogenase (NAD(+)) 3 catalytic subunit alpha; plus strand). Cytogenetic location: 15q25.1.
Variant type: single nucleotide variant.
Coding change: c.1046C>T on transcript NM_005530.3 (MANE Select); coding-DNA position 1046, C replaced by T.
Protein change: p.Ala349Val; replaces alanine 349 with valine.
Molecular consequence: missense variant. On other transcripts: 3 prime UTR variant (2).
Genome position (GRCh38, 1-based): chr15:78,168,950, C>T. VCF-style: chr15-78168950-C-T. GRCh37 (hg19) VCF-style: chr15-78461292-C-T.
Other names: c.*2494G>A (NM_001199377.2, NM_015162.5); short protein forms A349V.
Identifiers: ClinVar variation 2060387 (VCV002060387.4), dbSNP rs2548841622, ClinGen allele CA393547293.